The following is an entry in ClinVar:

ClinVar aggregate classification (germline): Uncertain significance. Review status: criteria provided, multiple submitters, no conflicts (2 of 4 stars). 3 submissions from 3 submitters: Uncertain significance (3). Last evaluated 2025-07-31.

Conditions:
Inborn genetic diseases. Identifiers: MedGen C0950123, MeSH D030342.

Allele frequency attached by ClinVar (database versions not stated): gnomAD 0.00003 and 0.00004; TOPMed 0.00004.

Submissions (3):

Labcorp Genetics (formerly Invitae), Labcorp
Classification: Uncertain significance. Last evaluated: 2025-07-31. Review status: criteria provided, single submitter. Criteria: Invitae Variant Classification Sherloc (09022015). Collection method: clinical testing. Allele origin: germline.
Comment: This sequence change replaces glycine, which is neutral and non-polar, with tryptophan, which is neutral and slightly polar, at codon 329 of the UPB1 protein (p.Gly329Trp). This variant is present in population databases (rs767055701, gnomAD 0.004%). This variant has not been reported in the literature in individuals affected with UPB1-related conditions. ClinVar contains an entry for this variant (Variation ID: 430504). Invitae Evidence Modeling of protein sequence and biophysical properties (such as structural, functional, and spatial information, amino acid conservation, physicochemical variation, residue mobility, and thermodynamic stability) indicates that this missense variant is expected to disrupt UPB1 protein function with a positive predictive value of 80%. In summary, the available evidence is currently insufficient to determine the role of this variant in disease. Therefore, it has been classified as a Variant of Uncertain Significance.

Ambry Genetics
Classification: Uncertain significance for Inborn genetic diseases. Last evaluated: 2024-09-20. Review status: criteria provided, single submitter. Criteria: Ambry Variant Classification Scheme 2023. Collection method: clinical testing. Allele origin: germline.

GeneDx
Classification: Uncertain significance. Last evaluated: 2017-05-30. Review status: criteria provided, single submitter. Criteria: GeneDx Variant Classification (06012015). Collection method: clinical testing. Allele origin: germline. Affected: yes.
Comment: The G329W variant in the UPB1 gene has not been reported previously as a pathogenic variant, nor as a benign variant, to our knowledge. The G329W variant is not observed in large population cohorts (Lek et al., 2016; 1000 Genomes Consortium et al., 2015; Exome Variant Server). The G329W variant is a semi-conservative amino acid substitution, which may impact secondary protein structure as these residues differ in some properties. This substitution occurs at a position that is conserved across species. In silico analysis predicts this variant is probably damaging to the protein structure/function. We interpret G329W as a variant of uncertain significance.

NM_016327.3(UPB1):c.985G>T (p.Gly329Trp)

Gene: UPB1 (beta-ureidopropionase 1; plus strand). Cytogenetic location: 22q11.23.
Variant type: single nucleotide variant.
Coding change: c.985G>T on transcript NM_016327.3 (MANE Select); coding-DNA position 985, G replaced by T.
Protein change: p.Gly329Trp; replaces glycine 329 with tryptophan.
Molecular consequence: missense variant.
Genome position (GRCh38, 1-based): chr22:24,523,687, G>T. VCF-style: chr22-24523687-G-T. GRCh37 (hg19) VCF-style: chr22-24919655-G-T.
Other names: short protein forms G329W.
Identifiers: ClinVar variation 430504 (VCV000430504.5), dbSNP rs767055701, ClinGen allele CA10153458.